The following is an entry in ClinVar:

ClinVar aggregate classification (germline): Benign/Likely benign. Review status: criteria provided, multiple submitters, no conflicts (2 of 4 stars). 5 submissions from 5 submitters: Benign (2); Likely benign (3). Last evaluated 2026-06-01.

Conditions:
Combined immunodeficiency due to LRBA deficiency. Also called: Common variable immunodeficiency 8, with autoimmunity. Identifiers: Orphanet 445018, MedGen C3553512, MONDO:0013863, OMIM 614700.

Allele frequency attached by ClinVar (database versions not stated): TOPMed 0.00101; gnomAD exomes 0.00106 and 0.00140; ExAC 0.00111; 1000 Genomes Project 30x 0.00125; ESP Exome Variant Server 0.00138; 1000 Genomes Project 0.00080; gnomAD 0.00096 and 0.00099.
gnomAD v4.1: 2,216 of 1,612,140 alleles (0.14%); highest among the groups gnomAD compares: Non-Finnish European, 0.16%; 4 homozygotes.

Submissions (5):

CeGaT Center for Human Genetics Tuebingen
Classification: Likely benign. Last evaluated: 2026-06-01. Review status: criteria provided, single submitter. Criteria: CeGaT Center For Human Genetics Tuebingen Variant Classification Criteria Version 2. Collection method: clinical testing. Allele origin: germline. Affected: yes. Observed: 5 variant alleles.
Comment: LRBA: BP4, BP7

Labcorp Genetics (formerly Invitae), Labcorp
Classification: Benign for Combined immunodeficiency due to LRBA deficiency. Last evaluated: 2026-01-28. Review status: criteria provided, single submitter. Criteria: Invitae Variant Classification Sherloc (09022015). Collection method: clinical testing. Allele origin: germline.

Blueprint Genetics
Classification: Likely benign. Last evaluated: 2024-11-07. Review status: criteria provided, single submitter. Criteria: ACMG Guidelines, 2015. Collection method: clinical testing. Allele origin: germline.

Mayo Clinic Laboratories, Mayo Clinic
Classification: Benign. Last evaluated: 2024-06-11. Review status: criteria provided, single submitter. Criteria: ACMG Guidelines, 2015. Collection method: clinical testing. Allele origin: germline. Observed: 2 variant alleles.
Comment: BS1, BS2, BP4, BP7

Breakthrough Genomics
Classification: Likely benign. Review status: criteria provided, single submitter. Criteria: ACMG Guidelines, 2015. Collection method: not provided. Allele origin: germline. Inheritance: Autosomal recessive inheritance. Affected: yes.

NM_001364905.1(LRBA):c.5241T>C (p.Asn1747=)

Gene: LRBA (LPS responsive beige-like anchor protein; minus strand). Cytogenetic location: 4q31.3.
Variant type: single nucleotide variant.
Coding change: c.5241T>C on transcript NM_001364905.1 (MANE Select); coding-DNA position 5241, T replaced by C.
Protein change: p.Asn1747=; no amino-acid change (asparagine 1747 retained).
Molecular consequence: synonymous variant.
Genome position (GRCh38, 1-based): chr4:150,817,188, A>G on the plus strand (T>C on the coding strand, the complement: LRBA is on the minus strand). VCF-style: chr4-150817188-A-G. GRCh37 (hg19) VCF-style: chr4-151738340-A-G.
Other names: p.Asn1747=; c.5241T>C, p.Asn1747= (NM_001199282.3, NM_001367550.1, NM_006726.5).
Identifiers: ClinVar variation 425340 (VCV000425340.55), dbSNP rs72719631, ClinGen allele CA3102542.